The following is an entry in ClinVar:

ClinVar aggregate classification (germline): Uncertain significance (1 of 4 stars; one submission).

Conditions:
AFF4-related disorder. Also called: AFF4-related condition.

Submission:

PreventionGenetics, part of Exact Sciences
Classification: Uncertain significance for AFF4-related condition. Last evaluated: 2025-03-24. Review status: criteria provided, single submitter. Criteria: ACMG Guidelines, 2015. Collection method: clinical testing. Allele origin: germline.
Comment: The AFF4 c.2526G>T variant is predicted to result in the amino acid substitution p.Lys842Asn. To our knowledge, this variant has not been reported in the literature or in a large population database (gnomAD), indicating this variant is rare. At this time, the clinical significance of this variant is uncertain due to the absence of conclusive functional and genetic evidence.

NM_014423.4(AFF4):c.2526G>T (p.Lys842Asn)

Gene: AFF4 (ALF transcription elongation factor 4; minus strand). Cytogenetic location: 5q31.1.
Variant type: single nucleotide variant.
Coding change: c.2526G>T on transcript NM_014423.4 (MANE Select); coding-DNA position 2526, G replaced by T.
Protein change: p.Lys842Asn; replaces lysine 842 with asparagine.
Molecular consequence: missense variant.
Genome position (GRCh38, 1-based): chr5:132,892,275, C>A on the plus strand (G>T on the coding strand, the complement: AFF4 is on the minus strand). VCF-style: chr5-132892275-C-A. GRCh37 (hg19) VCF-style: chr5-132227967-C-A.
Other names: short protein forms K842N.
Identifiers: ClinVar variation 4988303 (VCV004988303.1).